The following is an entry in ClinVar:

NM_000182.5(HADHA):c.944G>A (p.Gly315Glu)

Gene: HADHA (hydroxyacyl-CoA dehydrogenase trifunctional multienzyme complex subunit alpha; minus strand). Cytogenetic location: 2p23.3.
Variant type: single nucleotide variant.
Coding change: c.944G>A on transcript NM_000182.5 (MANE Select); coding-DNA position 944, G replaced by A.
Protein change: p.Gly315Glu; replaces glycine 315 with glutamic acid.
Molecular consequence: missense variant.
Genome position (GRCh38, 1-based): chr2:26,212,601, C>T on the plus strand (G>A on the coding strand, the complement: HADHA is on the minus strand). VCF-style: chr2-26212601-C-T. GRCh37 (hg19) VCF-style: chr2-26435470-C-T.
Other names: short protein forms G315E.
Identifiers: ClinVar variation 2148534 (VCV002148534.4), dbSNP rs1016633639, ClinGen allele CA44336710.

ClinVar aggregate classification (germline): Uncertain significance (1 of 4 stars; one submission).

Conditions:
Long chain 3-hydroxyacyl-CoA dehydrogenase deficiency. Also called: LCHAD Deficiency; Deficiency of long-chain 3-hydroxyacyl-coenzyme A dehydrogenase. Identifiers: Orphanet 5, MedGen C3711645, MONDO:0012173, OMIM 609016.
Mitochondrial trifunctional protein deficiency. Identifiers: Orphanet 746, MedGen C1969443, MONDO:0012172.

Allele frequency attached by ClinVar (database versions not stated): gnomAD exomes below 0.00001.
gnomAD v4.1: 1 of 1,603,358 alleles (0.000062%); no homozygotes.

Submission:

Labcorp Genetics (formerly Invitae), Labcorp
Classification: Uncertain significance for Mitochondrial trifunctional protein deficiency; Long chain 3-hydroxyacyl-CoA dehydrogenase deficiency. Last evaluated: 2022-03-27. Review status: criteria provided, single submitter. Criteria: Invitae Variant Classification Sherloc (09022015). Collection method: clinical testing. Allele origin: germline.
Comment: This variant is present in population databases (no rsID available, gnomAD 0.004%). In summary, the available evidence is currently insufficient to determine the role of this variant in disease. Therefore, it has been classified as a Variant of Uncertain Significance. Algorithms developed to predict the effect of missense changes on protein structure and function are either unavailable or do not agree on the potential impact of this missense change (SIFT: "Deleterious"; PolyPhen-2: "Possibly Damaging"; Align-GVGD: "Class C0"). This variant has not been reported in the literature in individuals affected with HADHA-related conditions. This sequence change replaces glycine, which is neutral and non-polar, with glutamic acid, which is acidic and polar, at codon 315 of the HADHA protein (p.Gly315Glu).